The following is an entry in ClinVar:

NM_001754.5(RUNX1):c.97+6T>G

Gene: RUNX1 (RUNX family transcription factor 1; minus strand). Cytogenetic location: 21q22.12.
Variant type: single nucleotide variant.
Coding change: c.97+6T>G on transcript NM_001754.5 (MANE Select); 6 bases into the intron after coding-DNA position 97, T replaced by G.
Molecular consequence: intron variant.
Genome position (GRCh38, 1-based): chr21:34,892,919, A>C on the plus strand (T>G on the coding strand, the complement: RUNX1 is on the minus strand). VCF-style: chr21-34892919-A-C. GRCh37 (hg19) VCF-style: chr21-36265216-A-C.
Identifiers: ClinVar variation 2003504 (VCV002003504.5), dbSNP rs2517535868, ClinGen allele CA2580098655.

ClinVar aggregate classification (germline): Uncertain significance. Review status: reviewed by expert panel (3 of 4 stars). 2 submissions from 2 submitters: Uncertain significance (1). 1 of the submissions does not count toward it. Last evaluated 2024-09-25.

Conditions:
Hereditary thrombocytopenia and hematological cancer predisposition syndrome associated with RUNX1. Also called: Familial Platelet Disorder with Propensity to Acute Myelogenous Leukemia; Familial thrombocytopenia with propensity to acute myelogenous leukemia; PLATELET DISORDER, ASPIRIN-LIKE; RUNX1 Familial Platelet Disorder with Associated Myeloid Malignancies. Identifiers: Orphanet 71290, MedGen C1832388, MeSH C563324, MONDO:0100083, OMIM 601399.
Hereditary thrombocytopenia and hematologic cancer predisposition syndrome. Identifiers: Orphanet 71290, MedGen CN281654, MONDO:0011071.

Submissions (2):

ClinGen Myeloid Malignancy Variant Curation Expert Panel
Classification: Uncertain significance for Hereditary thrombocytopenia and hematologic cancer predisposition syndrome. Last evaluated: 2024-09-25. Review status: reviewed by expert panel. Criteria: ClinGen MyeloMalig ACMG Specifications v2. Collection method: curation. Allele origin: germline. Inheritance: Autosomal dominant inheritance.
Comment: NM_001754.5(RUNX1):c.97+6T>G is a splice-site insertion variant. This variant alters the first three bases of an exon following an acceptor splice site and the predicted decrease in the score of the canonical splice site (measured by both MES and SSF) is at least 75% regardless of the predicted creation/presence of a putative cryptic splice site (PP3). This variant is completely absent from all population databases with at least 20x coverage for RUNX1 (PM2_supporting). In summary, the clinical significance of this variant is uncertain. ACMG/AMP criteria applied, as specified by the Myeloid Malignancy Variant Curation Expert Panel for RUNX1: PP3, PM2_supporting.

Labcorp Genetics (formerly Invitae), Labcorp
Classification: Uncertain significance for Hereditary thrombocytopenia and hematological cancer predisposition syndrome associated with RUNX1. Last evaluated: 2022-06-08. Review status: criteria provided, single submitter. Criteria: Invitae Variant Classification Sherloc (09022015). Collection method: clinical testing. Allele origin: germline. Not counted in ClinVar's aggregate classification.
Comment: Variants that disrupt the consensus splice site are a relatively common cause of aberrant splicing (PMID: 17576681, 9536098). Algorithms developed to predict the effect of sequence changes on RNA splicing suggest that this variant may create or strengthen a splice site. This variant has not been reported in the literature in individuals affected with RUNX1-related conditions. This variant is not present in population databases (gnomAD no frequency). This sequence change falls in intron 3 of the RUNX1 gene. It does not directly change the encoded amino acid sequence of the RUNX1 protein. It affects a nucleotide within the consensus splice site. In summary, the available evidence is currently insufficient to determine the role of this variant in disease. Therefore, it has been classified as a Variant of Uncertain Significance.

Literature cited by the submitters: PubMed 17576681 (cited by Labcorp Genetics (formerly Invitae), Labcorp); PubMed 9536098 (cited by Labcorp Genetics (formerly Invitae), Labcorp).